The following is an entry in ClinVar:

NM_002880.4(RAF1):c.1370+3_1370+6del

Gene: RAF1 (Raf-1 proto-oncogene, serine/threonine kinase; minus strand). Cytogenetic location: 3p25.2.
Variant type: Microsatellite.
Coding change: c.1370+3_1370+6del on transcript NM_002880.4 (MANE Select); bases 3 to 6 of the intron after coding-DNA position 1370, 4 bases deleted (GAGT; older notation c.1370+3_1370+6delGAGT).
Molecular consequence: splice donor variant.
Genome position (GRCh38, 1-based): chr3:12,590,792-12,590,795, ACTC deleted on the plus strand (GAGT on the coding strand, the reverse complement: RAF1 is on the minus strand); deleting any 4 consecutive bases within chr3:12,590,792-12,590,799 gives the same sequence; the c. name uses the placement nearest the transcript's 3' end. VCF-style (leftmost placement, unchanged base first): chr3-12590791-TACTC-T. GRCh37 (hg19) VCF-style: chr3-12632290-TACTC-T.
Other names: c.1028+3_1028+6del (NM_001354695.3); c.1127+3_1127+6del (NM_001354692.3, NM_001354691.3); c.1187+3_1187+6del (NM_001354694.3); c.1271+3_1271+6del (NM_001354693.3); c.1430+3_1430+6del (NM_001354689.3); c.1370+3_1370+6del (NM_001354690.3).
Identifiers: ClinVar variation 1060633 (VCV001060633.7), dbSNP rs2125342650, ClinGen allele CA2580614143.

ClinVar aggregate classification (germline): Uncertain significance (1 of 4 stars; one submission).

Conditions:
RASopathy. Also called: rasopathies; Noonan spectrum disorder. Identifiers: Orphanet 536391, MedGen C5555857, MONDO:0021060.

Submission:

Labcorp Genetics (formerly Invitae), Labcorp
Classification: Uncertain significance for RASopathy. Last evaluated: 2021-03-24. Review status: criteria provided, single submitter. Criteria: Invitae Variant Classification Sherloc (09022015). Collection method: clinical testing. Allele origin: germline.
Comment: This variant has not been reported in the literature in individuals with RAF1-related conditions. In summary, the available evidence is currently insufficient to determine the role of this variant in disease. Therefore, it has been classified as a Variant of Uncertain Significance. Nucleotide substitutions within the consensus splice site are a relatively common cause of aberrant splicing (PMID: 17576681, 9536098). Algorithms developed to predict the effect of sequence changes on RNA splicing suggest that this variant may disrupt the consensus splice site, but this prediction has not been confirmed by published transcriptional studies. This variant is not present in population databases (ExAC no frequency). This sequence change falls in intron 12 of the RAF1 gene. It does not directly change the encoded amino acid sequence of the RAF1 protein. It affects a nucleotide within the consensus splice site of the intron.

Literature cited by the submitters: PubMed 17576681; PubMed 9536098.